The following is an entry in ClinVar:

NM_000168.6(GLI3):c.750del (p.Tyr251fs)

Gene: GLI3 (GLI family zinc finger 3; minus strand). Cytogenetic location: 7p14.1.
Variant type: Deletion.
Coding change: c.750del on transcript NM_000168.6 (MANE Select); coding-DNA position 750, one base deleted (C; older notation c.750delC).
Protein change: p.Tyr251fs; shifts the reading frame from tyrosine 251.
Molecular consequence: frameshift variant.
Genome position (GRCh38, 1-based): chr7:42,045,460, G deleted on the plus strand (C on the coding strand, the reverse complement: GLI3 is on the minus strand); the first of 4 consecutive G bases (chr7:42,045,460-42,045,463); deleting any one gives the same sequence. VCF-style (leftmost placement, unchanged base first): chr7-42045459-AG-A. GRCh37 (hg19) VCF-style: chr7-42085058-AG-A.
Other names: short protein forms Y251fs.
Identifiers: ClinVar variation 523635 (VCV000523635.3), dbSNP rs1554317931, ClinGen allele CA658796927.

ClinVar aggregate classification (germline): Pathogenic (1 of 4 stars; one submission).

Conditions:
Greig cephalopolysyndactyly syndrome (GCPS). Also called: POLYSYNDACTYLY WITH PECULIAR SKULL SHAPE; GLI3-Related Greig Cephalopolysyndactyly Syndrome; Greig syndrome. Identifiers: Orphanet 380, MedGen C0265306, MONDO:0008287, OMIM 175700.

Submission:

Ali Lab, Centre for Genetic Disorders, Banaras Hindu University
Classification: Pathogenic for Greig cephalopolysyndactyly syndrome. Last evaluated: 2013-10-19. Review status: criteria provided, single submitter. Criteria: Submitter's publication. Collection method: research. Allele origin: inherited. Inheritance: Autosomal dominant inheritance. Affected: yes. Observed: 11 variant alleles, 11 heterozygotes. Clinical features observed: Macrocephaly (HP:0000256), Postaxial hand polydactyly (HP:0001162), Preaxial foot polydactyly (HP:0001841), Hypertelorism (HP:0000316), Wide nasal bridge (HP:0000431), 1-3 toe syndactyly (HP:0001459), finger like thumb, dry skin, Broad hallux (HP:0010055), 3-4 finger osseus syndactyly (HP:0006097).
Comment: c.750delC in heterozygous state transmitting in the family and co-segregating with the disorder suggesting it to be the causal for the GCPS phenotype in the family. In silico analysis suggests that this mutation creates a truncated GLI3 protein resulting in its haploinsufficiency leading to GCPS syndrome. Furthermore, genotype-phenotype correlation is supported by the mutation as it lies in the amino terminal domain of the protein.